The following is an entry in ClinVar:

ClinVar aggregate classification (germline): Uncertain significance (1 of 4 stars; one submission).

Submission:

Labcorp Genetics (formerly Invitae), Labcorp
Classification: Uncertain significance. Last evaluated: 2024-12-10. Review status: criteria provided, single submitter. Criteria: Invitae Variant Classification Sherloc (09022015). Collection method: clinical testing. Allele origin: germline.
Comment: This sequence change replaces methionine, which is neutral and non-polar, with isoleucine, which is neutral and non-polar, at codon 227 of the STAT4 protein (p.Met227Ile). This variant is not present in population databases (gnomAD no frequency). This variant has not been reported in the literature in individuals affected with STAT4-related conditions. Invitae Evidence Modeling of protein sequence and biophysical properties (such as structural, functional, and spatial information, amino acid conservation, physicochemical variation, residue mobility, and thermodynamic stability) indicates that this missense variant is not expected to disrupt STAT4 protein function with a negative predictive value of 80%. In summary, the available evidence is currently insufficient to determine the role of this variant in disease. Therefore, it has been classified as a Variant of Uncertain Significance.

NM_003151.4(STAT4):c.681G>A (p.Met227Ile)

Gene: STAT4 (signal transducer and activator of transcription 4; minus strand). Cytogenetic location: 2q32.2.
Variant type: single nucleotide variant.
Coding change: c.681G>A on transcript NM_003151.4 (MANE Select); coding-DNA position 681, G replaced by A.
Protein change: p.Met227Ile; replaces methionine 227 with isoleucine.
Molecular consequence: missense variant.
Genome position (GRCh38, 1-based): chr2:191,064,908, C>T on the plus strand (G>A on the coding strand, the complement: STAT4 is on the minus strand). VCF-style: chr2-191064908-C-T. GRCh37 (hg19) VCF-style: chr2-191929634-C-T.
Other names: c.681G>A, p.Met227Ile (NM_001243835.2); short protein forms M227I.
Identifiers: ClinVar variation 3665936 (VCV003665936.2).